The following is an entry in ClinVar:

NM_007294.4(BRCA1):c.1636A>G (p.Met546Val)

Gene: BRCA1 (BRCA1 DNA repair associated; minus strand). Cytogenetic location: 17q21.31.
Variant type: single nucleotide variant.
Coding change: c.1636A>G on transcript NM_007294.4 (MANE Select); coding-DNA position 1636, A replaced by G.
Protein change: p.Met546Val; replaces methionine 546 with valine.
Molecular consequence: missense variant. On other transcripts: intron variant (137).
Genome position (GRCh38, 1-based): chr17:43,093,895, T>C on the plus strand (A>G on the coding strand, the complement: BRCA1 is on the minus strand). VCF-style: chr17-43093895-T-C. GRCh37 (hg19) VCF-style: chr17-41245912-T-C.
Other names: c.523+849A>G (NM_001408497.1, NM_001408496.1, NM_001408499.1 and 3 more transcripts); c.787+849A>G (NM_001407973.1, NM_001408403.1, NM_001407983.1 and 19 more transcripts); c.404-2863A>G (NM_001408511.1); c.646+849A>G (NM_001408457.1, NM_001408460.1, NM_001408454.1 and 11 more transcripts); c.520+849A>G (NM_001408505.1, NM_001408504.1, NM_001408503.1); c.460+1951A>G (NM_001408507.1, NM_001408506.1); c.545-2863A>G (NM_001408495.1); c.661+849A>G (NM_001408448.1, NM_001408445.1, NM_001408432.1 and 6 more transcripts); and 40 more; short protein forms M546V, M499V, M418V, M519V, M520V, M250V, M434V, M435V.
Identifiers: ClinVar variation 142331 (VCV000142331.6), dbSNP rs587782390, ClinGen allele CA001086.

ClinVar aggregate classification (germline): Conflicting classifications of pathogenicity. Review status: criteria provided, conflicting classifications (1 of 4 stars). 2 submissions from 2 submitters: Uncertain significance (1); Likely benign (1). Last evaluated 2023-03-23.

Conditions:
Hereditary cancer-predisposing syndrome. Also called: Neoplastic Syndromes, Hereditary; Tumor predisposition; Hereditary Cancer Syndrome; Hereditary neoplastic syndrome. Identifiers: Orphanet 140162, MedGen C0027672, MeSH D009386, MONDO:0015356.

Submissions (2):

University of Washington Department of Laboratory Medicine, University of Washington
Classification: Likely benign for Hereditary cancer-predisposing syndrome. Last evaluated: 2023-03-23. Review status: criteria provided, single submitter. Criteria: Dines et al. (Genet Med. 2020). Collection method: curation. Allele origin: germline.
Comment: Missense variant in a coldspot region where missense variants are very unlikely to be pathogenic (PMID:31911673).

BRCA1 coldspot (exon 11 using historical exon numbering). Reclassification based on statistical prior probability

Ambry Genetics
Classification: Uncertain significance for Hereditary cancer-predisposing syndrome. Last evaluated: 2013-08-16. Review status: criteria provided, single submitter. Criteria: Ambry Autosomal Dominant and X-Linked criteria (10/2015). Collection method: clinical testing. Allele origin: germline. Observed: 1 variant allele.
Comment: The p.M546V variant (also known as c.1636A>G and 1755A>T) is located in coding exon 9 of the BRCA1 gene. This alteration results from a A to G substitution at nucleotide position 1636. The methionine at codon 546 is replaced by valine, an amino acid with highly similar properties. Authors note that this alteration is within a BRCA1 functional domain involved in binding to the y-microtubule protein (Li N et al. Int. J. Gynecol. Cancer;16 Suppl 1:172-178). This variant was not reported in population-based cohorts in the following databases: Database of Single Nucleotide Polymorphisms (dbSNP), the 1000 Genomes Project and the NHLBI Exome Sequencing Project (ESP). This amino acid position is not conserved in available vertebrate species, with valine as the reference amino acid in one species. In addition, this alteration is predicted to be benign and tolerated by PolyPhen and SIFT in silico analyses, respectively. Since supporting evidence is limited at this time, the clinical significance of this variant remains unclear.